The following is an entry in ClinVar:

NM_004525.3(LRP2):c.1643G>A (p.Arg548His)

Gene: LRP2 (LDL receptor related protein 2; minus strand). Cytogenetic location: 2q31.1.
Variant type: single nucleotide variant.
Coding change: c.1643G>A on transcript NM_004525.3 (MANE Select); coding-DNA position 1643, G replaced by A.
Protein change: p.Arg548His; replaces arginine 548 with histidine.
Molecular consequence: missense variant.
Genome position (GRCh38, 1-based): chr2:169,277,874, C>T on the plus strand (G>A on the coding strand, the complement: LRP2 is on the minus strand). VCF-style: chr2-169277874-C-T. GRCh37 (hg19) VCF-style: chr2-170134384-C-T.
Other names: c.1643G>A (NM_004525.2); short protein forms R548H.
Identifiers: ClinVar variation 1044118 (VCV001044118.7), dbSNP rs761553601, ClinGen allele CA349145905.

ClinVar aggregate classification (germline): Uncertain significance. Review status: criteria provided, multiple submitters, no conflicts (2 of 4 stars). 2 submissions from 2 submitters: Uncertain significance (2). Last evaluated 2024-06-25.

Conditions:
Inborn genetic diseases. Identifiers: MedGen C0950123, MeSH D030342.

Allele frequency attached by ClinVar (database versions not stated): gnomAD 0.00001.
gnomAD v4.1: 13 of 1,613,958 alleles (0.00081%); highest among the groups gnomAD compares: East Asian, 0.0022%; no homozygotes.

Submissions (2):

Ambry Genetics
Classification: Uncertain significance for Inborn genetic diseases. Last evaluated: 2024-06-25. Review status: criteria provided, single submitter. Criteria: Ambry Variant Classification Scheme 2023. Collection method: clinical testing. Allele origin: germline.

Labcorp Genetics (formerly Invitae), Labcorp
Classification: Uncertain significance. Last evaluated: 2022-07-11. Review status: criteria provided, single submitter. Criteria: Invitae Variant Classification Sherloc (09022015). Collection method: clinical testing. Allele origin: germline.
Comment: This sequence change replaces arginine, which is basic and polar, with histidine, which is basic and polar, at codon 548 of the LRP2 protein (p.Arg548His). This variant is present in population databases (no rsID available, gnomAD 0.003%). This variant has not been reported in the literature in individuals affected with LRP2-related conditions. ClinVar contains an entry for this variant (Variation ID: 1044118). Advanced modeling of protein sequence and biophysical properties (such as structural, functional, and spatial information, amino acid conservation, physicochemical variation, residue mobility, and thermodynamic stability) performed at Invitae indicates that this missense variant is expected to disrupt LRP2 protein function. In summary, the available evidence is currently insufficient to determine the role of this variant in disease. Therefore, it has been classified as a Variant of Uncertain Significance.